The following is an entry in ClinVar:

ClinVar aggregate classification (germline): Likely benign. Review status: criteria provided, multiple submitters, no conflicts (2 of 4 stars). 2 submissions from 2 submitters: Likely benign (2). Last evaluated 2025-12-28.

Conditions:
MHC class II deficiency. Also called: Bare lymphocyte syndrome 2; BLS, TYPE II. Identifiers: Orphanet 572, MedGen C5447452, MONDO:0008855.

Allele frequency attached by ClinVar (database versions not stated): gnomAD exomes 0.00001; ExAC 0.00002; TOPMed 0.00003; gnomAD 0.00004; ESP Exome Variant Server 0.00008; 1000 Genomes Project 30x 0.00016; 1000 Genomes Project 0.00020.
gnomAD v4.1: 22 of 1,614,226 alleles (0.0014%); highest among the groups gnomAD compares: African/African-American, 0.004%; no homozygotes.

Submissions (2):

Labcorp Genetics (formerly Invitae), Labcorp
Classification: Likely benign for MHC class II deficiency. Last evaluated: 2025-12-28. Review status: criteria provided, single submitter. Criteria: Invitae Variant Classification Sherloc (09022015). Collection method: clinical testing. Allele origin: germline.

CeGaT Center for Human Genetics Tuebingen
Classification: Likely benign. Last evaluated: 2023-10-01. Review status: criteria provided, single submitter. Criteria: CeGaT Center For Human Genetics Tuebingen Variant Classification Criteria Version 2. Collection method: clinical testing. Allele origin: germline. Affected: yes. Observed: 1 variant allele.
Comment: CIITA: BP4, BP7

NM_000246.4(CIITA):c.3153G>A (p.Leu1051=)

Gene: CIITA (class II major histocompatibility complex transactivator; plus strand). Cytogenetic location: 16p13.13.
Variant type: single nucleotide variant.
Coding change: c.3153G>A on transcript NM_000246.4 (MANE Select); coding-DNA position 3153, G replaced by A.
Protein change: p.Leu1051=; no amino-acid change (leucine 1051 retained).
Molecular consequence: synonymous variant. On other transcripts: non-coding transcript variant (1).
Genome position (GRCh38, 1-based): chr16:10,922,170, G>A. VCF-style: chr16-10922170-G-A. GRCh37 (hg19) VCF-style: chr16-11016027-G-A.
Other names: c.3156G>A, p.Leu1052= (NM_001286402.1, NM_001379332.1); c.1401G>A, p.Leu467= (NM_001286403.2); c.3009G>A, p.Leu1003= (NM_001379330.1); c.3006G>A, p.Leu1002= (NM_001379331.1); c.3153G>A, p.Leu1051= (NM_001379333.1); c.3084G>A, p.Leu1028= (NM_001379334.1).
Identifiers: ClinVar variation 1119404 (VCV001119404.32), dbSNP rs143507445, ClinGen allele CA7900708.